The following is an entry in ClinVar:

ClinVar aggregate classification (germline): Uncertain significance (1 of 4 stars; one submission).

Submission:

Labcorp Genetics (formerly Invitae), Labcorp
Classification: Uncertain significance. Last evaluated: 2025-07-14. Review status: criteria provided, single submitter. Criteria: Invitae Variant Classification Sherloc (09022015). Collection method: clinical testing. Allele origin: germline.
Comment: This sequence change replaces lysine, which is basic and polar, with threonine, which is neutral and polar, at codon 1693 of the ANK3 protein (p.Lys1693Thr). This variant is not present in population databases (gnomAD no frequency). This variant has not been reported in the literature in individuals affected with ANK3-related conditions. Invitae Evidence Modeling of protein sequence and biophysical properties (such as structural, functional, and spatial information, amino acid conservation, physicochemical variation, residue mobility, and thermodynamic stability) indicates that this missense variant is not expected to disrupt ANK3 protein function with a negative predictive value of 80%. In summary, the available evidence is currently insufficient to determine the role of this variant in disease. Therefore, it has been classified as a Variant of Uncertain Significance.

NM_020987.5(ANK3):c.5078A>C (p.Lys1693Thr)

Gene: ANK3 (ankyrin 3; minus strand). Cytogenetic location: 10q21.2.
Variant type: single nucleotide variant.
Coding change: c.5078A>C on transcript NM_020987.5 (MANE Select); coding-DNA position 5078, A replaced by C.
Protein change: p.Lys1693Thr; replaces lysine 1693 with threonine.
Molecular consequence: missense variant. On other transcripts: intron variant (4).
Genome position (GRCh38, 1-based): chr10:60,075,803, T>G on the plus strand (A>C on the coding strand, the complement: ANK3 is on the minus strand). VCF-style: chr10-60075803-T-G. GRCh37 (hg19) VCF-style: chr10-61835561-T-G.
Other names: c.4387+4734A>C (NM_001204403.2); c.4408+4734A>C (NM_001204404.2); c.4405+4734A>C (NM_001320874.2); c.1807+4734A>C (NM_001149.4); short protein forms K1693T.
Identifiers: ClinVar variation 4743893 (VCV004743893.1).
Genomic context (GRCh38, chr10:60,075,803, plus strand): 5'-ACCTCTGCATGTCCAGGCATCTGCTTCACAGGTGATGAGAGAGAAGATGCCATTGTAATT[T>G]TGGCTGATGAAATGACATCAACTGCTGATTTAACTGGAGACACCACTGACTTTAAAGGTG-3'
Protein context (NP_066267.2, residues 1683-1703): KSAVDVISSA[Lys1693Thr]ITMASSLSSP